The following is an entry in ClinVar:

ClinVar aggregate classification (germline): Uncertain significance (1 of 4 stars; one submission).

Conditions:
Werner syndrome (WRN). Identifiers: Orphanet 902, MedGen C0043119, MONDO:0010196, OMIM 277700.

Allele frequency attached by ClinVar (database versions not stated): gnomAD exomes below 0.00001; TOPMed below 0.00001; gnomAD 0.00001.
gnomAD v4.1: 5 of 1,613,076 alleles (0.00031%); highest among the groups gnomAD compares: South Asian, 0.0011%; no homozygotes.

Submission:

Labcorp Genetics (formerly Invitae), Labcorp
Classification: Uncertain significance for Werner syndrome. Last evaluated: 2022-06-25. Review status: criteria provided, single submitter. Criteria: Invitae Variant Classification Sherloc (09022015). Collection method: clinical testing. Allele origin: germline.
Comment: This sequence change replaces isoleucine, which is neutral and non-polar, with threonine, which is neutral and polar, at codon 53 of the WRN protein (p.Ile53Thr). This variant is not present in population databases (gnomAD no frequency). This variant has not been reported in the literature in individuals affected with WRN-related conditions. ClinVar contains an entry for this variant (Variation ID: 1056275). Algorithms developed to predict the effect of missense changes on protein structure and function are either unavailable or do not agree on the potential impact of this missense change (SIFT: "Not Available"; PolyPhen-2: "Benign"; Align-GVGD: "Not Available"). In summary, the available evidence is currently insufficient to determine the role of this variant in disease. Therefore, it has been classified as a Variant of Uncertain Significance.

NM_000553.6(WRN):c.158T>C (p.Ile53Thr)

Gene: WRN (WRN RecQ like helicase; plus strand). Cytogenetic location: 8p12.
Variant type: single nucleotide variant.
Coding change: c.158T>C on transcript NM_000553.6 (MANE Select); coding-DNA position 158, T replaced by C.
Protein change: p.Ile53Thr; replaces isoleucine 53 with threonine.
Molecular consequence: missense variant.
Genome position (GRCh38, 1-based): chr8:31,059,214, T>C. VCF-style: chr8-31059214-T-C. GRCh37 (hg19) VCF-style: chr8-30916730-T-C.
Other names: short protein forms I53T.
Identifiers: ClinVar variation 1056275 (VCV001056275.2), dbSNP rs1276730563, ClinGen allele CA370912549.